The following is an entry in ClinVar:

NM_015692.5(CPAMD8):c.3547G>C (p.Gly1183Arg)

Gene: CPAMD8 (C3 and PZP like alpha-2-macroglobulin domain containing 8; minus strand). Cytogenetic location: 19p13.11.
Variant type: single nucleotide variant.
Coding change: c.3547G>C on transcript NM_015692.5 (MANE Select); coding-DNA position 3547, G replaced by C.
Protein change: p.Gly1183Arg; replaces glycine 1183 with arginine.
Molecular consequence: missense variant.
Genome position (GRCh38, 1-based): chr19:16,925,196, C>G on the plus strand (G>C on the coding strand, the complement: CPAMD8 is on the minus strand). VCF-style: chr19-16925196-C-G. GRCh37 (hg19) VCF-style: chr19-17036006-C-G.
Other names: short protein forms G1183R.
Identifiers: ClinVar variation 4755929 (VCV004755929.1).

ClinVar aggregate classification (germline): Uncertain significance (1 of 4 stars; one submission).

gnomAD v4.1: 21 of 1,613,998 alleles (0.0013%); highest among the groups gnomAD compares: African/African-American, 0.028%; no homozygotes.

Submission:

GeneDx
Classification: Uncertain significance. Last evaluated: 2025-08-01. Review status: criteria provided, single submitter. Criteria: GeneDx Variant Classification Process June 2021. Collection method: clinical testing. Allele origin: germline. Affected: yes.
Comment: Alters the last nucleotide of the exon and is predicted to damage the splice donor site but the effect on protein function is unclear; Has not been previously published as pathogenic or benign to our knowledge